The following is an entry in ClinVar:

NM_007294.4(BRCA1):c.52dup (p.Met18fs)

Gene: BRCA1 (BRCA1 DNA repair associated; minus strand). Cytogenetic location: 17q21.31.
Variant type: Duplication.
Coding change: c.52dup on transcript NM_007294.4 (MANE Select); coding-DNA position 52, one base duplicated (A; older notation c.52dupA).
Protein change: p.Met18fs; shifts the reading frame from methionine 18.
Molecular consequence: frameshift variant. On other transcripts: 5 prime UTR variant (1), non-coding transcript variant (1).
Genome position (GRCh38, 1-based): chr17:43,124,045, T duplicated on the plus strand (A on the coding strand, the reverse complement: BRCA1 is on the minus strand). VCF-style (leftmost placement, unchanged base first): chr17-43124044-A-AT. GRCh37 (hg19) VCF-style: chr17-41276061-A-AT.
Other names: c.-137dup (NM_001407571.1, NM_001407853.1, NM_001407879.1 and 46 more transcripts); c.52dup, p.Met18Asnfs (NM_001407581.1, NM_001407582.1, NM_001407583.1 and 191 more transcripts); c.-206dup (NM_001407694.1, NM_001407724.1, NM_001407727.1 and 11 more transcripts); c.-210dup (NM_001407695.1, NM_001408465.1); c.-351dup (NM_001407696.1); c.-235dup (NM_001407697.1, NM_001407846.1, NM_001407920.1); c.-36dup (NM_001407698.1, NM_001407732.1, NM_001407736.1 and 23 more transcripts); c.-209dup (NM_001407725.1, NM_001407730.1, NM_001407734.1 and 22 more transcripts); and 9 more; short protein forms M18fs.
Identifiers: ClinVar variation 857496 (VCV000857496.9), dbSNP rs2055727310, ClinGen allele CA916081128.

ClinVar aggregate classification (germline): Pathogenic (1 of 4 stars; one submission).

Conditions:
Hereditary breast ovarian cancer syndrome. Also called: Breast and ovarian cancer; BRCA1- and BRCA2-Associated Hereditary Breast and Ovarian Cancer; Hereditary breast and ovarian cancer; Hereditary breast and ovarian cancer syndrome (HBOC); Hereditary breast and/or ovarian cancer syndrome; Hereditary breast and ovarian cancer syndrome. Identifiers: Orphanet 145, MedGen C0677776, MeSH D061325, MONDO:0003582. Disease mechanism: loss of function.

Submission:

Labcorp Genetics (formerly Invitae), Labcorp
Classification: Pathogenic for Hereditary breast ovarian cancer syndrome. Last evaluated: 2019-11-26. Review status: criteria provided, single submitter. Criteria: Invitae Variant Classification Sherloc (09022015). Collection method: clinical testing. Allele origin: germline.
Comment: This variant is not present in population databases (ExAC no frequency). For these reasons, this variant has been classified as Pathogenic. Loss-of-function variants in BRCA1 are known to be pathogenic (PMID: 20104584). This variant has not been reported in the literature in individuals with BRCA1-related conditions. This sequence change creates a premature translational stop signal (p.Met18Asnfs*23) in the BRCA1 gene. It is expected to result in an absent or disrupted protein product.

Literature cited by the submitters: PubMed 20104584.